The following is an entry in ClinVar:

NM_001903.5(CTNNA1):c.1328A>G (p.Asn443Ser)

Gene: CTNNA1 (catenin alpha 1; plus strand). Cytogenetic location: 5q31.2.
Variant type: single nucleotide variant.
Coding change: c.1328A>G on transcript NM_001903.5 (MANE Select); coding-DNA position 1328, A replaced by G.
Protein change: p.Asn443Ser; replaces asparagine 443 with serine.
Molecular consequence: missense variant. On other transcripts: 5 prime UTR variant (6), intron variant (3).
Genome position (GRCh38, 1-based): chr5:138,904,380, A>G. VCF-style: chr5-138904380-A-G. GRCh37 (hg19) VCF-style: chr5-138240069-A-G.
Other names: c.1328A>G, p.Asn443Ser (NM_001290307.3, NM_001323982.2, NM_001323983.1 and 2 more transcripts); c.1019A>G, p.Asn340Ser (NM_001290309.3); c.959A>G, p.Asn320Ser (NM_001290310.3); c.218A>G, p.Asn73Ser (NM_001290312.1, NM_001323987.1, NM_001323988.1 and 17 more transcripts); c.-180A>G (NM_001324006.1, NM_001324007.1, NM_001324008.1 and 1 more transcripts); c.-26A>G (NM_001324012.1, NM_001324013.1); c.1297-13362A>G (NM_001323986.2); c.187-13362A>G (NM_001324011.1); and 1 more; short protein forms N320S, N443S, N340S, N73S.
Identifiers: ClinVar variation 650886 (VCV000650886.13), dbSNP rs769696803, ClinGen allele CA361135926.

ClinVar aggregate classification (germline): Conflicting classifications of pathogenicity. Review status: criteria provided, conflicting classifications (1 of 4 stars). 3 submissions from 3 submitters: Uncertain significance (2); Likely benign (1). Last evaluated 2025-09-25.

Conditions:
Hereditary cancer-predisposing syndrome. Also called: Neoplastic Syndromes, Hereditary; Hereditary Cancer Syndrome; Tumor predisposition; Hereditary neoplastic syndrome. Identifiers: Orphanet 140162, MedGen C0027672, MeSH D009386, MONDO:0015356.

Allele frequency attached by ClinVar (database versions not stated): gnomAD exomes 0.00002.
gnomAD v4.1: 28 of 1,614,116 alleles (0.0017%); highest among the groups gnomAD compares: Non-Finnish European, 0.0023%; no homozygotes.

Submissions (3):

Labcorp Genetics (formerly Invitae), Labcorp
Classification: Uncertain significance. Last evaluated: 2025-09-25. Review status: criteria provided, single submitter. Criteria: Invitae Variant Classification Sherloc (09022015). Collection method: clinical testing. Allele origin: germline.
Comment: This sequence change replaces asparagine, which is neutral and polar, with serine, which is neutral and polar, at codon 443 of the CTNNA1 protein (p.Asn443Ser). This variant is not present in population databases (gnomAD no frequency). This variant has not been reported in the literature in individuals affected with CTNNA1-related conditions. ClinVar contains an entry for this variant (Variation ID: 650886). Invitae Evidence Modeling of protein sequence and biophysical properties (such as structural, functional, and spatial information, amino acid conservation, physicochemical variation, residue mobility, and thermodynamic stability) indicates that this missense variant is not expected to disrupt CTNNA1 protein function with a negative predictive value of 80%. In summary, the available evidence is currently insufficient to determine the role of this variant in disease. Therefore, it has been classified as a Variant of Uncertain Significance.

Ambry Genetics
Classification: Likely benign for Hereditary cancer-predisposing syndrome. Last evaluated: 2025-08-20. Review status: criteria provided, single submitter. Criteria: Ambry Variant Classification Scheme 2023. Collection method: clinical testing. Allele origin: germline.

Blueprint Genetics
Classification: Uncertain significance. Last evaluated: 2024-08-16. Review status: criteria provided, single submitter. Criteria: ACMG Guidelines, 2015. Collection method: clinical testing. Allele origin: germline.